The following is an entry in ClinVar:

NM_001365902.3(NFIX):c.764A>G (p.Asn255Ser)

Gene: NFIX (nuclear factor I X; plus strand). Cytogenetic location: 19p13.13.
Variant type: single nucleotide variant.
Coding change: c.764A>G on transcript NM_001365902.3 (MANE Select); coding-DNA position 764, A replaced by G.
Protein change: p.Asn255Ser; replaces asparagine 255 with serine.
Molecular consequence: missense variant.
Genome position (GRCh38, 1-based): chr19:13,073,972, A>G. VCF-style: chr19-13073972-A-G. GRCh37 (hg19) VCF-style: chr19-13184786-A-G.
Other names: c.788A>G, p.Asn263Ser (NM_001271043.2); c.740A>G, p.Asn247Ser (NM_001271044.3, NM_001378404.1); c.764A>G, p.Asn255Ser (NM_001365982.2, NM_002501.4); c.623A>G, p.Asn208Ser (NM_001365983.2); c.761A>G, p.Asn254Ser (NM_001365984.2, NM_001365985.2); c.812A>G, p.Asn271Ser (NM_001378405.1); short protein forms N247S, N254S, N255S, N263S, N208S, N271S.
Identifiers: ClinVar variation 2939211 (VCV002939211.3), dbSNP rs1474950210, ClinGen allele CA404295650.

ClinVar aggregate classification (germline): Uncertain significance (1 of 4 stars; one submission).

Conditions:
Malan overgrowth syndrome (MALNS). Also called: MALAN SYNDROME; NFIX-Related Malan Syndrome; Sotos syndrome 2. Identifiers: Orphanet 420179, MedGen C3553660, MONDO:0013885, OMIM 614753.
Marshall-Smith syndrome (MRSHSS). Identifiers: Orphanet 561, MedGen C0265211, MONDO:0011244, OMIM 602535.

Allele frequency attached by ClinVar (database versions not stated): TOPMed below 0.00001.

Submission:

Labcorp Genetics (formerly Invitae), Labcorp
Classification: Uncertain significance for Malan overgrowth syndrome; Marshall-Smith syndrome. Last evaluated: 2023-08-07. Review status: criteria provided, single submitter. Criteria: Invitae Variant Classification Sherloc (09022015). Collection method: clinical testing. Allele origin: germline.
Comment: In summary, the available evidence is currently insufficient to determine the role of this variant in disease. Therefore, it has been classified as a Variant of Uncertain Significance. Experimental studies and prediction algorithms are not available or were not evaluated, and the functional significance of this variant is currently unknown. This variant has not been reported in the literature in individuals affected with NFIX-related conditions. This variant is not present in population databases (gnomAD no frequency). This sequence change replaces asparagine, which is neutral and polar, with serine, which is neutral and polar, at codon 263 of the NFIX protein (p.Asn263Ser).